The following is an entry in ClinVar:

NM_004004.6(GJB2):c.227T>C (p.Leu76Pro)

Gene: GJB2 (gap junction protein beta 2; minus strand). Cytogenetic location: 13q12.11.
Variant type: single nucleotide variant.
Coding change: c.227T>C on transcript NM_004004.6 (MANE Select); coding-DNA position 227, T replaced by C.
Protein change: p.Leu76Pro; replaces leucine 76 with proline.
Molecular consequence: missense variant.
Genome position (GRCh38, 1-based): chr13:20,189,355, A>G on the plus strand (T>C on the coding strand, the complement: GJB2 is on the minus strand). VCF-style: chr13-20189355-A-G. GRCh37 (hg19) VCF-style: chr13-20763494-A-G.
Other names: short protein forms L76P.
Identifiers: ClinVar variation 44731 (VCV000044731.29), dbSNP rs111033361, ClinGen allele CA134953.
Genomic context (GRCh38, chr13:20,189,355, plus strand): 5'-GCCACGTGCATGGCCACTAGGAGCGCTGGCGTGGACACGAAGATCAGCTGCAGGGCCCAT[A>G]GCCGGATGTGGGAGATGGGGAAGTAGTGATCGTAGCACACGTTCTTGCAGCCTGGCTGCA-3'
Protein context (NP_003995.2, residues 66-86): DHYFPISHIR[Leu76Pro]WALQLIFVST

ClinVar aggregate classification (germline): Likely pathogenic. Review status: reviewed by expert panel (3 of 4 stars). 9 submissions from 9 submitters: Likely pathogenic (1). 8 of the submissions do not count toward it. Last evaluated 2024-04-23.

Conditions:
Nonsyndromic genetic hearing loss. Also called: Non-syndromic genetic deafness; Nonsyndromic hearing loss and deafness; Nonsyndromic genetic deafness. Identifiers: Orphanet 87884, MedGen C5680182, MONDO:0019497.
Autosomal recessive nonsyndromic hearing loss 1A (DFNB1A). Also called: GJB6-Related DFNB 1 Nonsyndromic Hearing Loss and Deafness; Deafness, autosomal recessive 1A; GJB2-Related Autosomal Recessive Nonsyndromic Hearing Loss; Connexin 26 deafness; Deafness nonsyndromic, Connexin 26 linked; Nonsyndromic Hearing Loss and Deafness, DFNB1. Identifiers: Orphanet 90636, MedGen C2673759, MONDO:0009076, OMIM 220290.
Autosomal dominant nonsyndromic hearing loss 3A. Identifiers: Orphanet 90635, MedGen C2675750, MONDO:0011103, OMIM 601544.

Allele frequency attached by ClinVar (database versions not stated): gnomAD exomes 0.00002 and below 0.00001; TOPMed 0.00002; gnomAD 0.00001; ExAC 0.00002.
gnomAD v4.1: 9 of 1,614,070 alleles (0.00056%); highest among the groups gnomAD compares: Non-Finnish European, 0.00068%; no homozygotes.

Submissions (9):

ClinGen Hearing Loss Variant Curation Expert Panel
Classification: Likely pathogenic for Nonsyndromic genetic hearing loss. Last evaluated: 2024-04-23. Review status: reviewed by expert panel. Criteria: Clingen Hl Acmg Specifications Cdh23 Coch Gjb2 Kcnq4 Myo6 Myo7a Slc26a4 Tecta Ush2a V2. Collection method: curation. Allele origin: germline. Inheritance: Autosomal recessive inheritance.
Comment: The c.227T>C is a missense variant in GJB2 predicted to cause substitution of leucine to proline at amino acid 76. The highest population minor allele frequency in gnomAD v4.1 is 0.0006779% (8/1180042) in the European (non-Finnish) population, which is a low enough frequency to apply PM2_Supporting based on the thresholds defined by the ClinGen Hearing Loss Expert Panel for autosomal recessive hearing loss (PM2_Supporting). The variant has been detected in 4 probands with hearing loss (3.0 PM3 points). For two of those patients, a pathogenic variant was observed in trans (PMID: 17666888, 19274344), in a third the variant was observed in a homozygous state (ARUP Laboratories internal data, SCV001158697.1), and in the last patient the variant was observed with another pathogenic variant although with unknown phase (Partners LMM internal data, SCV000061486.5) (PM3_Strong). The variant has been reported to segregate with hearing loss in one affected family member (PP1, PMID: 19274344). The REVEL computational prediction tool produced a score of 0.976, which is above the threshold necessary to apply PP3. In summary, this variant meets criteria to be classified as likely pathogenic for autosomal recessive nonsyndromic hearing loss based on the ACMG/AMP criteria applied as specified by the ClinGen Hearing Loss Expert Panel : PM3_Strong, PM2_Supporting, PP1, PP3. (The ClinGen Hearing Loss VCEP Specifications Version 2, 04/17/2024)

Natera, Inc.
Classification: Likely pathogenic for Autosomal recessive deafness type 1A. Last evaluated: 2025-12-02. Review status: criteria provided, single submitter. Criteria: Natera Variant Classification Schema (03/2026). Collection method: clinical testing. Allele origin: germline. Not counted in ClinVar's aggregate classification.
Comment: The c.227T>C variant in GJB2 is a missense variant predicted to cause substitution of leucine to proline at amino acid 76. This variant is rare in the general population with a frequency below the threshold expected for the associated phenotype(s). This variant has been observed in one or more individuals affected with the associated recessive disease, as either homozygous or compound heterozygous with a second variant (PMID: 22567359, 19274344, 17666888). Computational prediction algorithms indicate this variant is likely to affect gene or protein function. Given the available evidence, this variant is classified as Likely Pathogenic.

Otogenetics
Classification: Likely pathogenic for Autosomal recessive nonsyndromic hearing loss 1A. Last evaluated: 2025-09-02. Review status: criteria provided, single submitter. Criteria: ACMG Guidelines, 2015. Collection method: clinical testing. Allele origin: germline. Not counted in ClinVar's aggregate classification.
Comment: PM1: Non-truncating non-synonymous variant located in a mutational hot spot and well-established functional domain (TM2) of protein product (PMID: 37892203); PM2_Supporting: Aggregated gnomAD MAF of 0.0006% (<0.256% threshold); PM3_Moderate: Variant reported in trans in with another pathogenic variant (GJB2 c.35del p.G12fs*2) in affected siblings; phase confirmed by parental testing (PMID: 19274344); PP3: In-silico models predict deleterious effect (Revel = 0.98, BayesDel = 0.58)

Women's Health and Genetics/Laboratory Corporation of America, LabCorp
Classification: Pathogenic for Autosomal recessive nonsyndromic hearing loss 1A. Last evaluated: 2024-12-03. Review status: criteria provided, single submitter. Criteria: LabCorp Variant Classification Summary - May 2015. Collection method: clinical testing. Allele origin: germline. Not counted in ClinVar's aggregate classification.
Comment: Variant summary: GJB2 c.227T>C (p.Leu76Pro) results in a non-conservative amino acid change in the encoded protein sequence. Five of five in-silico tools predict a damaging effect of the variant on protein function. The variant allele was found at a frequency of 2e-05 in 251410 control chromosomes (gnomAD). c.227T>C has been reported in the literature in multiple individuals affected with Autosomal Recessive Non-Syndromic Hearing Loss (e.g. Putcha_2007, Batissoco_2009, Nogueira_2011, Imzcoz_2023). These data indicate that the variant is very likely to be associated with disease. To our knowledge, no experimental evidence demonstrating an impact on protein function has been reported. The following publications have been ascertained in the context of this evaluation (PMID: 17666888, 19274344, 22567359, 37811145). ClinVar contains an entry for this variant (Variation ID: 44731). To our knowledge, the variant has not been found in individuals with Autosomal Dominant Non-Syndromic Hearing Loss. Based on the evidence outlined above, the variant was classified as pathogenic.

Labcorp Genetics (formerly Invitae), Labcorp
Classification: Pathogenic. Last evaluated: 2024-07-23. Review status: criteria provided, single submitter. Criteria: Invitae Variant Classification Sherloc (09022015). Collection method: clinical testing. Allele origin: germline. Not counted in ClinVar's aggregate classification.
Comment: This sequence change replaces leucine, which is neutral and non-polar, with proline, which is neutral and non-polar, at codon 76 of the GJB2 protein (p.Leu76Pro). This variant is present in population databases (rs111033361, gnomAD 0.004%). This missense change has been observed in individual(s) with non-syndromic deafness (PMID: 19274344). In at least one individual the data is consistent with being in trans (on the opposite chromosome) from a pathogenic variant. It has also been observed to segregate with disease in related individuals. ClinVar contains an entry for this variant (Variation ID: 44731). Advanced modeling of protein sequence and biophysical properties (such as structural, functional, and spatial information, amino acid conservation, physicochemical variation, residue mobility, and thermodynamic stability) performed at Invitae indicates that this missense variant is expected to disrupt GJB2 protein function with a positive predictive value of 95%. For these reasons, this variant has been classified as Pathogenic.

GeneDx
Classification: Likely pathogenic. Last evaluated: 2023-11-03. Review status: criteria provided, single submitter. Criteria: GeneDx Variant Classification Process June 2021. Collection method: clinical testing. Allele origin: germline. Affected: yes. Not counted in ClinVar's aggregate classification.
Comment: Not observed at significant frequency in large population cohorts (gnomAD); In silico analysis supports that this missense variant has a deleterious effect on protein structure/function; Classified as likely pathogenic by the ClinGen Hearing Loss Expert Panel (ClinVar SCV001428430.1; PMID: 30311386); This variant is associated with the following publications: (PMID: 25388846, 19274344, 30245029, 34599368, 17666888, 22567359, 30311386)

Dasa
Classification: Likely pathogenic for Autosomal dominant nonsyndromic hearing loss 3A. Last evaluated: 2022-02-14. Review status: criteria provided, single submitter. Criteria: ACMG Guidelines, 2015. Collection method: clinical testing. Allele origin: germline. Affected: yes. Observed: 1 variant allele. Not counted in ClinVar's aggregate classification.
Comment: The c.227T>C;p.(Leu76Pro) missense variant has been observed in affected individual(s) and ClinVar contains an entry for this variant (ClinVar ID: 44731; PMID: 19274344; 17666888) - PS4. The variant is present at low allele frequencies population databases (rs111033361 - gnomAD 0.00006569%; ABraOM no frequency) - PM2_supporting. The p.(Leu76Pro) was detected in trans with a pathogenic variant (PMID: 17666888; 19274344) - PM3. The variant co-segregated with disease in multiple affected family members (PMID: 19274344) - PP1. Multiple lines of computational evidence support a deleterious effect on the gene or gene product - PP3. In summary, the currently available evidence indicates that the variant is likely pathogenic.

ARUP Laboratories, Molecular Genetics and Genomics, ARUP Laboratories
Classification: Likely pathogenic. Last evaluated: 2018-07-09. Review status: criteria provided, single submitter. Criteria: ARUP Molecular Germline Variant Investigation Process. Collection method: clinical testing. Allele origin: germline. Not counted in ClinVar's aggregate classification.
Comment: The GJB2 c.227T>C; p.Leu76Pro variant (rs111033361) has been described in the compound heterozygous state in individuals with hearing loss, ranging from mild to profound (Batissoco 2009, Nogueira 2011, Putcha 2007). It is reported in ClinVar (Variation ID: 44731), and observed in the European (Non-Finnish) population at a low overall frequency of 0.0036% (4/11678 alleles) in the Genome Aggregation Database. The leucine at codon 76 is highly conserved, and computational algorithms (PolyPhen-2, SIFT) predict that this variant is deleterious. Additionally, other variants at positions adjacent to codon 76 (p.Arg75Gln, p.Arg75Trp, p.Trp77Arg) have been described in association with hearing loss and are considered pathogenic (see link to Connexin Deafness database and references therein, Carrasquillo 1997). Based on available information, the p.Leu76Pro variant is considered likely pathogenic. References: Link to Connexin Deafness database: Batissoco A et al. A novel missense mutation p.L76P in the GJB2 gene causing nonsyndromic recessive deafness in a Brazilian family. Braz J Med Biol Res. 2009 Feb;42(2):168-71. Carrasquillo M et al. Two different connexin 26 mutations in an inbred kindred segregating non-syndromic recessive deafness: implications for genetic studies in isolated populations. Hum Mol Genet. 1997 Nov;6(12):2163-72. Nogueira C et al. Molecular investigation of pediatric portuguese patients with sensorineural hearing loss. Genet Res Int. 2011;2011:587602. Putcha G et al. A multicenter study of the frequency and distribution of GJB2 and GJB6 mutations in a large North American cohort. Genet Med. 2007 Jul;9(7):413-26.

Laboratory for Molecular Medicine, Mass General Brigham Personalized Medicine
Classification: Uncertain significance. Last evaluated: 2008-03-01. Review status: criteria provided, single submitter. Criteria: LMM Criteria. Collection method: clinical testing. Allele origin: germline. Observed: 1 variant allele. Not counted in ClinVar's aggregate classification.

Literature cited by the submitters: PubMed 22567359 (cited by Natera, Inc. and Women's Health and Genetics/Laboratory Corporation of America, LabCorp); PubMed 19274344 (cited by 6 submitters); PubMed 17666888 (cited by 4 submitters); PubMed 37892203 (cited by Otogenetics); PubMed 37811145 (cited by Women's Health and Genetics/Laboratory Corporation of America, LabCorp).